The following is an entry in ClinVar:

ClinVar aggregate classification (germline): Uncertain significance. Review status: criteria provided, multiple submitters, no conflicts (2 of 4 stars). 2 submissions from 2 submitters: Uncertain significance (2). Last evaluated 2026-07-08.

Conditions:
Inborn genetic diseases. Identifiers: MedGen C0950123, MeSH D030342.

Allele frequency attached by ClinVar (database versions not stated): gnomAD exomes 0.00002; gnomAD 0.00005; TOPMed 0.00003; ExAC 0.00002.
gnomAD v4.1: 31 of 1,613,896 alleles (0.0019%); highest among the groups gnomAD compares: Non-Finnish European, 0.0023%; no homozygotes.

Submissions (2):

Ambry Genetics
Classification: Uncertain significance for Inborn genetic diseases. Last evaluated: 2026-07-08. Review status: criteria provided, single submitter. Criteria: Ambry Variant Classification Scheme 2023. Collection method: clinical testing. Allele origin: germline.
Comment: The c.904A>C (p.K302Q) alteration is located in exon 6 (coding exon 6) of the CRLF1 gene. This alteration results from a A to C substitution at nucleotide position 904, causing the lysine (K) at amino acid position 302 to be replaced by a glutamine (Q). Based on data from gnomAD, the C allele has an overall frequency of 0.001% (4/282096) total alleles studied. The highest observed frequency was 0.003% (4/128640) of European (non-Finnish) alleles. Based on insufficient or conflicting evidence, the clinical significance of this alteration remains unclear.

Labcorp Genetics (formerly Invitae), Labcorp
Classification: Uncertain significance. Last evaluated: 2024-02-26. Review status: criteria provided, single submitter. Criteria: Invitae Variant Classification Sherloc (09022015). Collection method: clinical testing. Allele origin: germline.
Comment: This sequence change replaces lysine, which is basic and polar, with glutamine, which is neutral and polar, at codon 302 of the CRLF1 protein (p.Lys302Gln). This variant is present in population databases (rs772777727, gnomAD 0.004%). This variant has not been reported in the literature in individuals affected with CRLF1-related conditions. ClinVar contains an entry for this variant (Variation ID: 1971791). Advanced modeling of protein sequence and biophysical properties (such as structural, functional, and spatial information, amino acid conservation, physicochemical variation, residue mobility, and thermodynamic stability) performed at Invitae indicates that this missense variant is not expected to disrupt CRLF1 protein function with a negative predictive value of 80%. In summary, the available evidence is currently insufficient to determine the role of this variant in disease. Therefore, it has been classified as a Variant of Uncertain Significance.

NM_004750.5(CRLF1):c.904A>C (p.Lys302Gln)

Genes: CRLF1 (cytokine receptor like factor 1; minus strand), LOC112543470 (Sharpr-MPRA regulatory region 11645; plus strand). Cytogenetic location: 19p13.11.
Variant type: single nucleotide variant.
Coding change: c.904A>C on transcript NM_004750.5 (MANE Select); coding-DNA position 904, A replaced by C.
Protein change: p.Lys302Gln; replaces lysine 302 with glutamine.
Molecular consequence: missense variant.
Genome position (GRCh38, 1-based): chr19:18,596,742, T>G on the plus strand (A>C on the coding strand, the complement: CRLF1 is on the minus strand). VCF-style: chr19-18596742-T-G. GRCh37 (hg19) VCF-style: chr19-18707552-T-G.
Other names: c.904A>C (NM_004750.4); short protein forms K302Q.
Identifiers: ClinVar variation 1971791 (VCV001971791.6), dbSNP rs772777727, ClinGen allele CA9314053.
Genomic context (GRCh38, chr19:18,596,742, plus strand): 5'-TGGAGCCATAGATGCCAAAGGGGTTGCAGCGCACTTGCACGAAGTACACGGTGCCGGGTT[T>G]CAGGCCGGCCAGGCGGCAGGAGGTCTGGTTGCTCACATCGTCCACCACCTGGACAGTGAG-3'
Protein context (NP_004741.1, residues 292-312): NQTSCRLAGL[Lys302Gln]PGTVYFVQVR